The following is an entry in ClinVar:

NM_004525.3(LRP2):c.7876C>T (p.Gln2626Ter)

Gene: LRP2 (LDL receptor related protein 2; minus strand). Cytogenetic location: 2q31.1.
Variant type: single nucleotide variant.
Coding change: c.7876C>T on transcript NM_004525.3 (MANE Select); coding-DNA position 7876, C replaced by T.
Protein change: p.Gln2626Ter; replaces glutamine 2626 with a stop codon.
Molecular consequence: nonsense.
Genome position (GRCh38, 1-based): chr2:169,204,111, G>A on the plus strand (C>T on the coding strand, the complement: LRP2 is on the minus strand). VCF-style: chr2-169204111-G-A. GRCh37 (hg19) VCF-style: chr2-170060621-G-A.
Other names: short protein forms Q2626*.
Identifiers: ClinVar variation 5014822 (VCV005014822.1).

ClinVar aggregate classification (germline): Pathogenic (1 of 4 stars; one submission).

Conditions:
Donnai-Barrow syndrome. Also called: DBS/FOAR SYNDROME; FACIOOCULOACOUSTICORENAL SYNDROME. Identifiers: Orphanet 2143, MedGen C1857277, MONDO:0009104, OMIM 222448.

Submission:

Myriad Genetics, Inc.
Classification: Pathogenic for Donnai-Barrow syndrome. Last evaluated: 2025-08-06. Review status: criteria provided, single submitter. Criteria: Myriad Autosomal Dominant, Autosomal Recessive and X-Linked Classification Criteria (2023). Collection method: clinical testing. Allele origin: unknown.
Comment: NM_004525.2(LRP2):c.7876C>T(Q2626*) is expected to be pathogenic in the context of Donnai-Barrow syndrome. This variant is predicted to lead to an abnormal or absent protein product due to the creation of a premature termination codon in LRP2, a gene where loss-of-function variants are known to be pathogenic. Please note: this variant was assessed in the context of healthy population screening.